The following is an entry in ClinVar:

ClinVar aggregate classification (germline): Pathogenic (1 of 4 stars; one submission).

Conditions:
Fabry disease. Also called: ALPHA-GALACTOSIDASE A DEFICIENCY; ANDERSON-FABRY DISEASE; CERAMIDE TRIHEXOSIDASE DEFICIENCY; GLA DEFICIENCY; HEREDITARY DYSTOPIC LIPIDOSIS; Angiokeratoma corporis diffusum. Identifiers: Orphanet 324, MedGen C0002986, MONDO:0010526, OMIM 301500, HP:0001071. Disease mechanism: Fabry disease is due to inactivating mutations in the X-linked GLA gene resulting in deficiency of the enzyme Alpha Galactosidase-A., loss of function.

Submission:

Genomenon, Inc
Classification: Pathogenic for Fabry disease. Last evaluated: 2026-09-08. Review status: criteria provided, single submitter. Criteria: Genomenon Sequence Variant Interpretation Standards - Updated. Collection method: curation. Allele origin: germline. Affected: yes.
Comment: GLA p.Tyr134MetfsTer31 (c.400del) is a frameshift variant that is predicted to introduce a premature termination codon and result in a truncated or absent protein product. This variant has been observed in at least one proband with clinical features consistent with Fabry disease (PMID:25955246;16601876). Functional or patient cell studies have been reported (PMID:16601876). It is absent or not present at a significant frequency in gnomAD. In conclusion, we classify GLA p.Tyr134MetfsTer31 (c.400del) as a pathogenic variant.

Literature cited by the submitters: PubMed 25955246; PubMed 16601876.

NM_000169.3(GLA):c.400del (p.Tyr134fs)

Genes: GLA (galactosidase alpha; minus strand), RPL36A-HNRNPH2 (RPL36A-HNRNPH2 readthrough; plus strand). Cytogenetic location: Xq22.1.
Variant type: Deletion.
Coding change: c.400del on transcript NM_000169.3 (MANE Select); coding-DNA position 400, one base deleted (T; older notation c.400delT).
Protein change: p.Tyr134fs; shifts the reading frame from tyrosine 134.
Molecular consequence: frameshift variant. On other transcripts: non-coding transcript variant (3), intron variant (2).
Genome position (GRCh38, 1-based): chrX:101,401,779, A deleted on the plus strand (T on the coding strand, the reverse complement: GLA is on the minus strand); the first of 3 consecutive A bases (chrX:101,401,779-101,401,781); deleting any one gives the same sequence. VCF-style (leftmost placement, unchanged base first): chrX-101401778-TA-T. GRCh37 (hg19) VCF-style: chrX-100656766-TA-T.
Other names: c.523del, p.Tyr175fs (NM_001406747.1, NM_001406749.1); c.400del, p.Tyr134fs (NM_001406748.1); c.300+6324del (NM_001199973.2); c.177+9959del (NM_001199974.2); short protein forms Y134fs, Y175fs.
Identifiers: ClinVar variation 4086955 (VCV004086955.2).
Genomic context (GRCh38, chrX:101,401,778, plus strand): 5'-ATGTCGTAGTATCCAAAACTCCCAGGGAAGCCTGCGCAGGTTTTATTTCCAACATCTGCA[TA>T]AATCCCTAGCTTCAGTCCTTTGCTGTGAACCTGAAATGAGAGGGAGGAAAAGAGTCACCA-3'